The following is an entry in ClinVar:

NM_000213.5(ITGB4):c.3977-24C>T

Genes: GALK1 (galactokinase 1; minus strand), ITGB4 (integrin subunit beta 4; plus strand). Cytogenetic location: 17q25.1.
Variant type: single nucleotide variant.
Coding change: c.3977-24C>T on transcript NM_000213.5 (MANE Select); 24 bases into the intron before coding-DNA position 3977, C replaced by T.
Molecular consequence: intron variant.
Genome position (GRCh38, 1-based): chr17:75,752,422, C>T. VCF-style: chr17-75752422-C-T. GRCh37 (hg19) VCF-style: chr17-73748503-C-T.
Other names: c.3977-24C>T (NM_001005619.2, NM_001005731.3, NM_001438834.1 and 1 more transcripts); c.*23-685G>A (NM_001381985.1).
Identifiers: ClinVar variation 3032513 (VCV003032513.2), dbSNP rs753645083, ClinGen allele CA8770003.

ClinVar aggregate classification (germline): Likely benign (0 of 4 stars; one submission).

Conditions:
ITGB4-related disorder. Also called: ITGB4-related condition.

Allele frequency attached by ClinVar (database versions not stated): TOPMed 0.00005; ExAC 0.00007; gnomAD 0.00007; gnomAD exomes 0.00013.
gnomAD v4.1: 202 of 1,612,856 alleles (0.013%); highest among the groups gnomAD compares: Middle Eastern, 0.016%; no homozygotes.

Submission:

PreventionGenetics, part of Exact Sciences
Classification: Likely benign for ITGB4-related condition. Last evaluated: 2021-06-23. Review status: no assertion criteria provided. Collection method: clinical testing. Allele origin: germline.
Comment: This variant is classified as likely benign based on ACMG/AMP sequence variant interpretation guidelines (Richards et al. 2015 PMID: 25741868, with internal and published modifications).